The following is an entry in ClinVar:

ClinVar aggregate classification (germline): Conflicting classifications of pathogenicity. Review status: criteria provided, conflicting classifications (1 of 4 stars). 2 submissions from 2 submitters: Uncertain significance (1); Likely benign (1). Last evaluated 2026-09-01.

Submissions (2):

CeGaT Center for Human Genetics Tuebingen
Classification: Likely benign. Last evaluated: 2026-09-01. Review status: criteria provided, single submitter. Criteria: CeGaT Center For Human Genetics Tuebingen Variant Classification Criteria Version 2. Collection method: clinical testing. Allele origin: germline. Affected: yes. Observed: 1 variant allele.
Comment: MTSS2: PP3, BS1

Dasa
Classification: Uncertain significance. Last evaluated: 2025-12-28. Review status: criteria provided, single submitter. Criteria: DASA Assertion Criteria. Collection method: clinical testing. Allele origin: germline.
Comment: NM_138383.3(MTSS2):c.1454A>G (p.Asp485Gly) is a missense variant that results in the substitution of aspartic acid with glycine. This variant is rare in population databases. The currently available literature and clinical evidence are not sufficient to establish a definitive association between this variant and the reported condition. Therefore, this variant is classified as a variant of uncertain significance.

NM_138383.3(MTSS2):c.1454A>G (p.Asp485Gly)

Gene: MTSS2 (MTSS I-BAR domain containing 2; minus strand). Cytogenetic location: 16q22.1.
Variant type: single nucleotide variant.
Coding change: c.1454A>G on transcript NM_138383.3 (MANE Select); coding-DNA position 1454, A replaced by G.
Protein change: p.Asp485Gly; replaces aspartic acid 485 with glycine.
Molecular consequence: missense variant.
Genome position (GRCh38, 1-based): chr16:70,664,615, T>C on the plus strand (A>G on the coding strand, the complement: MTSS2 is on the minus strand). VCF-style: chr16-70664615-T-C. GRCh37 (hg19) VCF-style: chr16-70698518-T-C.
Other names: short protein forms D485G.
Identifiers: ClinVar variation 4885927 (VCV004885927.3).